The following is an entry in ClinVar:

NM_017763.6(RNF43):c.1704G>C (p.Lys568Asn)

Gene: RNF43 (ring finger protein 43; minus strand). Cytogenetic location: 17q22.
Variant type: single nucleotide variant.
Coding change: c.1704G>C on transcript NM_017763.6 (MANE Select); coding-DNA position 1704, G replaced by C.
Protein change: p.Lys568Asn; replaces lysine 568 with asparagine.
Molecular consequence: missense variant.
Genome position (GRCh38, 1-based): chr17:58,358,072, C>G on the plus strand (G>C on the coding strand, the complement: RNF43 is on the minus strand). VCF-style: chr17-58358072-C-G. GRCh37 (hg19) VCF-style: chr17-56435433-C-G.
Other names: c.1704G>C, p.Lys568Asn (NM_001305544.3); c.1323G>C, p.Lys441Asn (NM_001305545.2); short protein forms K568N, K441N.
Identifiers: ClinVar variation 1485874 (VCV001485874.6), dbSNP rs751281829, ClinGen allele CA400387779.

ClinVar aggregate classification (germline): Uncertain significance (1 of 4 stars; one submission).

Allele frequency attached by ClinVar (database versions not stated): gnomAD exomes below 0.00001.
gnomAD v4.1: 3 of 1,597,150 alleles (0.00019%); highest among the groups gnomAD compares: African/African-American, 0.0013%; no homozygotes.

Submission:

Labcorp Genetics (formerly Invitae), Labcorp
Classification: Uncertain significance. Last evaluated: 2024-09-08. Review status: criteria provided, single submitter. Criteria: Invitae Variant Classification Sherloc (09022015). Collection method: clinical testing. Allele origin: germline.
Comment: This sequence change replaces lysine, which is basic and polar, with asparagine, which is neutral and polar, at codon 568 of the RNF43 protein (p.Lys568Asn). This variant is not present in population databases (gnomAD no frequency). This variant has not been reported in the literature in individuals affected with RNF43-related conditions. ClinVar contains an entry for this variant (Variation ID: 1485874). An algorithm developed to predict the effect of missense changes on protein structure and function (PolyPhen-2) suggests that this variant is likely to be disruptive. In summary, the available evidence is currently insufficient to determine the role of this variant in disease. Therefore, it has been classified as a Variant of Uncertain Significance.